The following is an entry in ClinVar:

ClinVar aggregate classification (germline): Uncertain significance (1 of 4 stars; one submission).

Conditions:
Dilated cardiomyopathy 1AA (CMD1AA). Also called: CARDIOMYOPATHY, DILATED, 1AA, WITH OR WITHOUT LEFT VENTRICULAR NONCOMPACTION; CARDIOMYOPATHY, FAMILIAL HYPERTROPHIC, 23, WITH OR WITHOUT LEFT VENTRICULAR NONCOMPACTION; Cardiomyopathy, dilated, 1AA, with or without LVNC. Identifiers: Orphanet 154, MedGen C2677338, MONDO:0012808, OMIM 612158.
Primary familial hypertrophic cardiomyopathy (HCM). Identifiers: Orphanet 99739, MedGen C0949658, MeSH D024741, MONDO:0024573. Inheritance: Various modes of inheritance.

Submission:

Labcorp Genetics (formerly Invitae), Labcorp
Classification: Uncertain significance for Primary familial hypertrophic cardiomyopathy; Dilated cardiomyopathy 1AA. Last evaluated: 2021-08-28. Review status: criteria provided, single submitter. Criteria: Invitae Variant Classification Sherloc (09022015). Collection method: clinical testing. Allele origin: germline.
Comment: In summary, the available evidence is currently insufficient to determine the role of this variant in disease. Therefore, it has been classified as a Variant of Uncertain Significance. This variant has not been reported in the literature in individuals affected with ACTN2-related conditions. This variant is not present in population databases (ExAC no frequency). This sequence change creates a premature translational stop signal (p.Arg395Asnfs*40) in the ACTN2 gene. It is expected to result in an absent or disrupted protein product. However, the current clinical and genetic evidence is not sufficient to establish whether loss-of-function variants in ACTN2 cause disease.

NM_001103.4(ACTN2):c.1184del (p.Arg395fs)

Gene: ACTN2 (actinin alpha 2; plus strand). Cytogenetic location: 1q43.
Variant type: Deletion.
Coding change: c.1184del on transcript NM_001103.4 (MANE Select); coding-DNA position 1184, one base deleted (G; older notation c.1184delG).
Protein change: p.Arg395fs; shifts the reading frame from arginine 395.
Molecular consequence: frameshift variant.
Genome position (GRCh38, 1-based): chr1:236,742,972, G deleted. VCF-style (leftmost placement, unchanged base first): chr1-236742971-AG-A. GRCh37 (hg19) VCF-style: chr1-236906271-AG-A.
Other names: c.1184del, p.Arg395fs (NM_001278343.2); c.560del, p.Arg187fs (NM_001278344.2); short protein forms R187fs, R395fs.
Identifiers: ClinVar variation 1447203 (VCV001447203.6), dbSNP rs2102927467, ClinGen allele CA2573132046.